The following is an entry in ClinVar:

ClinVar aggregate classification (germline): Uncertain significance (1 of 4 stars; one submission).

Submission:

Ambry Genetics
Classification: Uncertain significance. Last evaluated: 2025-10-16. Review status: criteria provided, single submitter. Criteria: Ambry Variant Classification Scheme 2023. Collection method: clinical testing. Allele origin: germline.
Comment: The p.Y68* variant (also known as c.204T>A), located in coding exon 3 of the RAD51B gene, results from a T to A substitution at nucleotide position 204. This changes the amino acid from a tyrosine to a stop codon within coding exon 3. The evidence for this gene-disease relationship is limited; therefore, the clinical significance of this alteration is unclear.

NM_133510.4(RAD51B):c.204T>A (p.Tyr68Ter)

Gene: RAD51B (RAD51 paralog B; plus strand). Cytogenetic location: 14q24.1.
Variant type: single nucleotide variant.
Coding change: c.204T>A on transcript NM_133510.4 (MANE Select); coding-DNA position 204, T replaced by A.
Protein change: p.Tyr68Ter; replaces tyrosine 68 with a stop codon.
Molecular consequence: nonsense. On other transcripts: 5 prime UTR variant (1).
Genome position (GRCh38, 1-based): chr14:67,835,085, T>A. VCF-style: chr14-67835085-T-A. GRCh37 (hg19) VCF-style: chr14-68301802-T-A.
Other names: c.204T>A, p.Tyr68Ter (NM_001321809.2, NM_001321810.2, NM_001321812.1 and 6 more transcripts); c.90T>A, p.Tyr30Ter (NM_001321815.1); c.-252T>A (NM_001321817.2); short protein forms Y30*, Y68*.
Identifiers: ClinVar variation 4575265 (VCV004575265.1).